The following is an entry in ClinVar:

NM_006206.6(PDGFRA):c.2609A>G (p.Asn870Ser)

Gene: PDGFRA (platelet derived growth factor receptor alpha; plus strand). Cytogenetic location: 4q12.
Variant type: single nucleotide variant.
Coding change: c.2609A>G on transcript NM_006206.6 (MANE Select); coding-DNA position 2609, A replaced by G.
Protein change: p.Asn870Ser; replaces asparagine 870 with serine.
Molecular consequence: missense variant.
Genome position (GRCh38, 1-based): chr4:54,287,476, A>G. VCF-style: chr4-54287476-A-G. GRCh37 (hg19) VCF-style: chr4-55153643-A-G.
Other names: c.2684A>G, p.Asn895Ser (NM_001347828.2); c.2609A>G, p.Asn870Ser (NM_001347829.2); c.2648A>G, p.Asn883Ser (NM_001347830.2); short protein forms N870S, N895S, N883S.
Identifiers: ClinVar variation 528620 (VCV000528620.13), dbSNP rs1553906267, ClinGen allele CA356895235.

ClinVar aggregate classification (germline): Uncertain significance. Review status: criteria provided, multiple submitters, no conflicts (2 of 4 stars). 3 submissions from 3 submitters: Uncertain significance (3). Last evaluated 2025-11-20.

Conditions:
Hereditary cancer-predisposing syndrome. Also called: Neoplastic Syndromes, Hereditary; Hereditary Cancer Syndrome; Tumor predisposition; Hereditary neoplastic syndrome. Identifiers: Orphanet 140162, MedGen C0027672, MeSH D009386, MONDO:0015356.
Gastrointestinal stromal tumor. Also called: Gastrointestinal stroma tumor; Gastrointestinal stromal tumor, somatic. Identifiers: Orphanet 44890, MedGen C0238198, MeSH D046152, MONDO:0011719, OMIM 606764, HP:0100723.

Allele frequency attached by ClinVar (database versions not stated): gnomAD exomes below 0.00001; TOPMed below 0.00001.
gnomAD v4.1: 2 of 1,580,724 alleles (0.00013%); highest among the groups gnomAD compares: Non-Finnish European, 0.00017%; no homozygotes.

Submissions (3):

Labcorp Genetics (formerly Invitae), Labcorp
Classification: Uncertain significance for Gastrointestinal stromal tumor. Last evaluated: 2025-11-20. Review status: criteria provided, single submitter. Criteria: Invitae Variant Classification Sherloc (09022015). Collection method: clinical testing. Allele origin: germline.
Comment: This sequence change replaces asparagine, which is neutral and polar, with serine, which is neutral and polar, at codon 870 of the PDGFRA protein (p.Asn870Ser). This variant is not present in population databases (gnomAD no frequency). This variant has not been reported in the literature in individuals affected with PDGFRA-related conditions. ClinVar contains an entry for this variant (Variation ID: 528620). An algorithm developed to predict the effect of missense changes on protein structure and function (PolyPhen-2) suggests that this variant is likely to be disruptive. Experimental studies have shown that this missense change does not substantially affect PDGFRA function (PMID: 23752188). In summary, the available evidence is currently insufficient to determine the role of this variant in disease. Therefore, it has been classified as a Variant of Uncertain Significance.

Ambry Genetics
Classification: Uncertain significance for Hereditary cancer-predisposing syndrome. Last evaluated: 2025-01-13. Review status: criteria provided, single submitter. Criteria: Ambry Variant Classification Scheme 2023. Collection method: clinical testing. Allele origin: germline.
Comment: The p.N870S variant (also known as c.2609A>G), located in coding exon 18 of the PDGFRA gene, results from an A to G substitution at nucleotide position 2609. The asparagine at codon 870 is replaced by serine, an amino acid with highly similar properties. This amino acid position is highly conserved in available vertebrate species. In addition, this alteration is predicted to be tolerated by in silico analysis. Based on the available evidence, the clinical significance of this variant remains unclear.

GeneDx
Classification: Uncertain significance. Last evaluated: 2023-08-03. Review status: criteria provided, single submitter. Criteria: GeneDx Variant Classification Process June 2021. Collection method: clinical testing. Allele origin: germline.
Comment: Not observed at significant frequency in large population cohorts (gnomAD); In silico analysis supports that this missense variant does not alter protein structure/function; Published functional studies demonstrate this variant does not significantly affect PDGFRA protein abundance, localization, and activity (Velghe et al., 2014); This variant is associated with the following publications: (PMID: 15674355, 23752188)

Literature cited by the submitters: PubMed 23752188 (cited by Labcorp Genetics (formerly Invitae), Labcorp).